The following is an entry in ClinVar:

ClinVar aggregate classification (germline): Uncertain significance (1 of 4 stars; one submission).

Submission:

GeneDx
Classification: Uncertain significance. Last evaluated: 2024-05-28. Review status: criteria provided, single submitter. Criteria: GeneDx Variant Classification Process June 2021. Collection method: clinical testing. Allele origin: germline. Affected: yes.
Comment: Not observed at significant frequency in large population cohorts (gnomAD); In silico analysis supports that this missense variant has a deleterious effect on protein structure/function; Has not been previously published as pathogenic or benign to our knowledge

NM_005618.4(DLL1):c.648G>C (p.Trp216Cys)

Gene: DLL1 (delta like canonical Notch ligand 1; minus strand). Cytogenetic location: 6q27.
Variant type: single nucleotide variant.
Coding change: c.648G>C on transcript NM_005618.4 (MANE Select); coding-DNA position 648, G replaced by C.
Protein change: p.Trp216Cys; replaces tryptophan 216 with cysteine.
Molecular consequence: missense variant.
Genome position (GRCh38, 1-based): chr6:170,288,261, C>G on the plus strand (G>C on the coding strand, the complement: DLL1 is on the minus strand). VCF-style: chr6-170288261-C-G. GRCh37 (hg19) VCF-style: chr6-170597349-C-G.
Other names: short protein forms W216C.
Identifiers: ClinVar variation 3383763 (VCV003383763.1).